The following is an entry in ClinVar:

ClinVar aggregate classification (germline): Uncertain significance (1 of 4 stars; one submission).

Allele frequency attached by ClinVar (database versions not stated): gnomAD 0.00001; TOPMed 0.00001.

Submission:

Ambry Genetics
Classification: Uncertain significance. Last evaluated: 2023-11-05. Review status: criteria provided, single submitter. Criteria: Ambry Variant Classification Scheme 2023. Collection method: clinical testing. Allele origin: germline.
Comment: The p.C5W variant (also known as c.15C>G), located in coding exon 1 of the EGLN2 gene, results from a C to G substitution at nucleotide position 15. The cysteine at codon 5 is replaced by tryptophan, an amino acid with highly dissimilar properties. This amino acid position is conserved. In addition, the in silico prediction for this alteration is inconclusive. Since supporting evidence is limited at this time, the clinical significance of this alteration remains unclear.

NM_080732.4(EGLN2):c.15C>G (p.Cys5Trp)

Genes: EGLN2 (egl-9 family hypoxia inducible factor 2; plus strand), RAB4B-EGLN2 (RAB4B-EGLN2 readthrough (NMD candidate); plus strand). Cytogenetic location: 19q13.2.
Variant type: single nucleotide variant.
Coding change: c.15C>G on transcript NM_080732.4 (MANE Select); coding-DNA position 15, C replaced by G.
Protein change: p.Cys5Trp; replaces cysteine 5 with tryptophan.
Molecular consequence: missense variant. On other transcripts: non-coding transcript variant (1).
Genome position (GRCh38, 1-based): chr19:40,800,587, C>G. VCF-style: chr19-40800587-C-G. GRCh37 (hg19) VCF-style: chr19-41306492-C-G.
Other names: c.15C>G, p.Cys5Trp (NM_053046.4); short protein forms C5W.
Identifiers: ClinVar variation 1776133 (VCV001776133.2), dbSNP rs1316562093, ClinGen allele CA405954386.
Genomic context (GRCh38, chr19:40,800,587, plus strand): 5'-GCCCGGGCGGTGCCCTCCATGCCCGGGGGATGAAGACACTGCTGCCATGGACAGCCCGTG[C>G]CAGCCGCAGCCCCTAAGTCAGGCTCTCCCTCAGTTACCAGGGTCTTCGTCAGAGCCCTTG-3'
Protein context (NP_542770.2, residues 1-15): MDSP[Cys5Trp]QPQPLSQALP